The following is an entry in ClinVar:

ClinVar aggregate classification (germline): Uncertain significance (1 of 4 stars; one submission).

Conditions:
Werner syndrome (WRN). Identifiers: Orphanet 902, MedGen C0043119, MONDO:0010196, OMIM 277700.

Allele frequency attached by ClinVar (database versions not stated): gnomAD exomes below 0.00001.
gnomAD v4.1: 2 of 1,612,780 alleles (0.00012%); highest among the groups gnomAD compares: Non-Finnish European, 0.00017%; no homozygotes.

Submission:

Labcorp Genetics (formerly Invitae), Labcorp
Classification: Uncertain significance for Werner syndrome. Last evaluated: 2023-07-31. Review status: criteria provided, single submitter. Criteria: Invitae Variant Classification Sherloc (09022015). Collection method: clinical testing. Allele origin: germline.
Comment: This variant has not been reported in the literature in individuals affected with WRN-related conditions. In summary, the available evidence is currently insufficient to determine the role of this variant in disease. Therefore, it has been classified as a Variant of Uncertain Significance. An algorithm developed to predict the effect of missense changes on protein structure and function (PolyPhen-2) suggests that this variant is likely to be disruptive. ClinVar contains an entry for this variant (Variation ID: 2088410). This variant is not present in population databases (gnomAD no frequency). This sequence change replaces proline, which is neutral and non-polar, with leucine, which is neutral and non-polar, at codon 597 of the WRN protein (p.Pro597Leu).

NM_000553.6(WRN):c.1790C>T (p.Pro597Leu)

Gene: WRN (WRN RecQ like helicase; plus strand). Cytogenetic location: 8p12.
Variant type: single nucleotide variant.
Coding change: c.1790C>T on transcript NM_000553.6 (MANE Select); coding-DNA position 1790, C replaced by T.
Protein change: p.Pro597Leu; replaces proline 597 with leucine.
Molecular consequence: missense variant.
Genome position (GRCh38, 1-based): chr8:31,090,903, C>T. VCF-style: chr8-31090903-C-T. GRCh37 (hg19) VCF-style: chr8-30948419-C-T.
Other names: short protein forms P597L.
Identifiers: ClinVar variation 2088410 (VCV002088410.4), dbSNP rs1813723319, ClinGen allele CA370928014.